The following is an entry in ClinVar:

NM_001013838.3(CARMIL2):c.3123A>C (p.Val1041=)

Gene: CARMIL2 (capping protein regulator and myosin 1 linker 2; plus strand). Cytogenetic location: 16q22.1.
Variant type: single nucleotide variant.
Coding change: c.3123A>C on transcript NM_001013838.3 (MANE Select); coding-DNA position 3123, A replaced by C.
Protein change: p.Val1041=; no amino-acid change (valine 1041 retained).
Molecular consequence: synonymous variant.
Genome position (GRCh38, 1-based): chr16:67,654,151, A>C. VCF-style: chr16-67654151-A-C. GRCh37 (hg19) VCF-style: chr16-67688054-A-C.
Other names: c.3015A>C, p.Val1005= (NM_001317026.3, NM_001438244.1, NM_001438835.1).
Identifiers: ClinVar variation 4281318 (VCV004281318.7).

ClinVar aggregate classification (germline): Likely benign (1 of 4 stars; one submission).

Submission:

CeGaT Center for Human Genetics Tuebingen
Classification: Likely benign. Last evaluated: 2026-09-01. Review status: criteria provided, single submitter. Criteria: CeGaT Center For Human Genetics Tuebingen Variant Classification Criteria Version 2. Collection method: clinical testing. Allele origin: germline. Affected: yes. Observed: 9 variant alleles.
Comment: CARMIL2: PM2:Supporting, BP4, BP7